The following is an entry in ClinVar:

NM_001367561.1(DOCK7):c.2521A>G (p.Arg841Gly)

Gene: DOCK7 (dedicator of cytokinesis 7; minus strand). Cytogenetic location: 1p31.3.
Variant type: single nucleotide variant.
Coding change: c.2521A>G on transcript NM_001367561.1 (MANE Select); coding-DNA position 2521, A replaced by G.
Protein change: p.Arg841Gly; replaces arginine 841 with glycine.
Molecular consequence: missense variant.
Genome position (GRCh38, 1-based): chr1:62,555,900, T>C on the plus strand (A>G on the coding strand, the complement: DOCK7 is on the minus strand). VCF-style: chr1-62555900-T-C. GRCh37 (hg19) VCF-style: chr1-63021571-T-C.
Other names: c.2521A>G, p.Arg841Gly (NM_001271999.2, NM_001272000.2, NM_001272001.2 and 2 more transcripts); short protein forms R841G.
Identifiers: ClinVar variation 855277 (VCV000855277.7), dbSNP rs1646126365, ClinGen allele CA340623392.

ClinVar aggregate classification (germline): Uncertain significance (1 of 4 stars; one submission).

Conditions:
Developmental and epileptic encephalopathy, 23 (DEE23). Also called: Epileptic encephalopathy, early infantile, 23. Identifiers: Orphanet 411986, MedGen C4014492, MONDO:0014371, OMIM 615859.

Allele frequency attached by ClinVar (database versions not stated): TOPMed below 0.00001.

Submission:

Labcorp Genetics (formerly Invitae), Labcorp
Classification: Uncertain significance for Developmental and epileptic encephalopathy, 23. Last evaluated: 2022-07-19. Review status: criteria provided, single submitter. Criteria: Invitae Variant Classification Sherloc (09022015). Collection method: clinical testing. Allele origin: germline.
Comment: This sequence change replaces arginine, which is basic and polar, with glycine, which is neutral and non-polar, at codon 841 of the DOCK7 protein (p.Arg841Gly). This variant is not present in population databases (gnomAD no frequency). This variant has not been reported in the literature in individuals affected with DOCK7-related conditions. ClinVar contains an entry for this variant (Variation ID: 855277). Algorithms developed to predict the effect of missense changes on protein structure and function are either unavailable or do not agree on the potential impact of this missense change (SIFT: "Deleterious"; PolyPhen-2: "Probably Damaging"; Align-GVGD: "Class C0"). In summary, the available evidence is currently insufficient to determine the role of this variant in disease. Therefore, it has been classified as a Variant of Uncertain Significance.